The following is an entry in ClinVar:

NM_001242896.3(DEPDC5):c.3994C>T (p.Arg1332Ter)

Gene: DEPDC5 (DEP domain containing 5, GATOR1 subcomplex subunit; plus strand). Cytogenetic location: 22q12.3.
Variant type: single nucleotide variant.
Coding change: c.3994C>T on transcript NM_001242896.3 (MANE Select); coding-DNA position 3994, C replaced by T.
Protein change: p.Arg1332Ter; replaces arginine 1332 with a stop codon.
Molecular consequence: nonsense. On other transcripts: non-coding transcript variant (5).
Genome position (GRCh38, 1-based): chr22:31,879,713, C>T. VCF-style: chr22-31879713-C-T. GRCh37 (hg19) VCF-style: chr22-32275699-C-T.
Other names: c.3694C>T, p.Arg1232Ter (NM_001242897.2); c.3928C>T, p.Arg1310Ter (NM_001363852.2, NM_001364320.2); c.3760C>T, p.Arg1254Ter (NM_001363854.2, NM_001364319.2); c.3994C>T, p.Arg1332Ter (NM_001364318.2); c.3910C>T, p.Arg1304Ter (NM_001369901.1, NM_001369902.1); c.3901C>T, p.Arg1301Ter (NM_001369903.1, NM_014662.6); c.3967C>T, p.Arg1323Ter (NM_001136029.4); short protein forms R1232*, R1332*, R1254*, R1323*, R1301*, R1304*, R1310*.
Identifiers: ClinVar variation 264742 (VCV000264742.15), dbSNP rs886039269, ClinGen allele CA10588054.

ClinVar aggregate classification (germline): Pathogenic. Review status: criteria provided, multiple submitters, no conflicts (2 of 4 stars). 6 submissions from 6 submitters: Pathogenic (5). 1 of the submissions does not count toward it. Last evaluated 2024-03-15.

Conditions:
Familial focal epilepsy with variable foci (FPEVF). Identifiers: Orphanet 98820, MedGen C1858477, MONDO:0020310.
Inborn genetic diseases. Identifiers: MedGen C0950123, MeSH D030342.
Epilepsy, familial focal, with variable foci 1 (FFEVF1). Also called: DEPDC5-Related Epilepsy. Identifiers: MedGen C4551983, MONDO:0024556, OMIM 604364.

Allele frequency attached by ClinVar (database versions not stated): gnomAD exomes below 0.00001.
gnomAD v4.1: 1 of 1,614,054 alleles (0.000062%); highest among the groups gnomAD compares: Non-Finnish European, 0.000085%; no homozygotes.

Submissions (6):

Labcorp Genetics (formerly Invitae), Labcorp
Classification: Pathogenic for Familial focal epilepsy with variable foci. Last evaluated: 2024-03-15. Review status: criteria provided, single submitter. Criteria: Invitae Variant Classification Sherloc (09022015). Collection method: clinical testing. Allele origin: germline.
Comment: This sequence change creates a premature translational stop signal (p.Arg1332*) in the DEPDC5 gene. It is expected to result in an absent or disrupted protein product. Loss-of-function variants in DEPDC5 are known to be pathogenic (PMID: 23542697, 23542701). This variant is not present in population databases (gnomAD no frequency). This premature translational stop signal has been observed in individual(s) with temporal lobe epilepsy and sudden unexpected death in epilepsy (PMID: 26505888, 26704558). ClinVar contains an entry for this variant (Variation ID: 264742). Algorithms developed to predict the effect of sequence changes on RNA splicing suggest that this variant may disrupt the consensus splice site. For these reasons, this variant has been classified as Pathogenic.

Genetics and Molecular Pathology, SA Pathology
Classification: Pathogenic for Epilepsy, familial focal, with variable foci 1. Last evaluated: 2022-11-11. Review status: criteria provided, single submitter. Criteria: ACMG Guidelines, 2015. Collection method: clinical testing. Allele origin: germline. Inheritance: Autosomal dominant inheritance. Affected: yes.
Comment: The DEPDC5 c.3994C>T variant is classified as PATHOGENIC (PVS1, PS4) The DEPDC5 c.3994C>T variant is a single nucleotide change which is predicted to result in premature termination of the protein product at codon 1332 (PVS1). The variant has been reported in multiple individuals with focal epilepsy (PMID:30093711; PS4). This variant is absent from population databases but has been reported in dbSNP (rs886039269) and in the HGMD database: CM160826. It has been reported as pathogenic by other diagnostic laboratories (ClinVar Variation ID: 264742).

3billion
Classification: Pathogenic for Epilepsy, familial focal, with variable foci 1. Last evaluated: 2021-10-02. Review status: criteria provided, single submitter. Criteria: ACMG Guidelines, 2015. Collection method: clinical testing. Allele origin: unknown. Affected: yes. Observed: 1 heterozygote.
Comment: Stop-gained (nonsense): predicted to result in a loss or disruption of normal protein function through nonsense-mediated decay (NMD) or protein truncation. Multiple pathogenic variants are reported downstream of the variant (PVS1_VS). It is not observed in the gnomAD v2.1.1 dataset (PM2). The variant has been reported as pathogenic (ClinVar ID: VCV000264742.2).Therefore, this variant is classified as pathogenic according to the recommendation of ACMG/AMP guideline.

Laboratorio de Genetica e Diagnostico Molecular, Hospital Israelita Albert Einstein
Classification: Pathogenic. Last evaluated: 2020-03-02. Review status: criteria provided, single submitter. Criteria: ACMG Guidelines, 2015. Collection method: clinical testing. Allele origin: germline. Affected: yes.
Comment: ACMG classification criteria: PVS1, PS4, PM2

Ambry Genetics
Classification: Pathogenic for Inborn genetic diseases. Last evaluated: 2017-09-18. Review status: criteria provided, single submitter. Criteria: Ambry Variant Classification Scheme 2023. Collection method: clinical testing. Allele origin: germline.
Comment: The p.R1332* variant (also known as c.3994C>T), located in coding exon 37 of the DEPDC5 gene, results from a C to T substitution at nucleotide position 3994. This changes the amino acid from an arginine to a stop codon within coding exon 37. In one study, this mutation was detected in an individual with temporal lobe epilepsy and focal cortical dysplasia (Ricos MG et al. Ann. Neurol., 2016 Jan;79:120-31). This alteration is expected to result in loss of function by premature protein truncation or nonsense-mediated mRNA decay. As such, this alteration is interpreted as a disease-causing mutation.

GeneReviews
No classification provided. Condition: Epilepsy, familial focal, with variable foci 1. Review status: no classification provided. Collection method: literature only. Allele origin: germline. Affected: yes. Not counted in ClinVar's aggregate classification.

Literature cited by the submitters: PubMed 23542697 (cited by Labcorp Genetics (formerly Invitae), Labcorp); PubMed 23542701 (cited by Labcorp Genetics (formerly Invitae), Labcorp); PubMed 26505888 (cited by 3 submitters); PubMed 26704558 (cited by Labcorp Genetics (formerly Invitae), Labcorp and GeneReviews); PubMed 30093711 (cited by Genetics and Molecular Pathology, SA Pathology); NCBI Bookshelf NBK385626 (cited by GeneReviews).